The following is an entry in ClinVar:

NM_001903.5(CTNNA1):c.1113G>A (p.Met371Ile)

Gene: CTNNA1 (catenin alpha 1; plus strand). Cytogenetic location: 5q31.2.
Variant type: single nucleotide variant.
Coding change: c.1113G>A on transcript NM_001903.5 (MANE Select); coding-DNA position 1113, G replaced by A.
Protein change: p.Met371Ile; replaces methionine 371 with isoleucine.
Molecular consequence: missense variant. On other transcripts: initiator codon variant (21), 5 prime UTR variant (5), intron variant (2).
Genome position (GRCh38, 1-based): chr5:138,886,262, G>A. VCF-style: chr5-138886262-G-A. GRCh37 (hg19) VCF-style: chr5-138221951-G-A.
Other names: c.1113G>A (NM_001903.2); c.1113G>A, p.Met371Ile (NM_001290307.3, NM_001323982.2, NM_001323983.1 and 3 more transcripts); c.804G>A, p.Met268Ile (NM_001290309.3); c.744G>A, p.Met248Ile (NM_001290310.3); c.3G>A, p.Met1Ile (NM_001290312.1, NM_001323987.1, NM_001323988.1 and 18 more transcripts); c.-395G>A (NM_001324006.1, NM_001324007.1, NM_001324008.1 and 1 more transcripts); c.-270G>A (NM_001324013.1); c.-58+10665G>A (NM_001324012.1); and 1 more; short protein forms M1I, M248I, M371I, M268I.
Identifiers: ClinVar variation 1964084 (VCV001964084.7), dbSNP rs767384077, ClinGen allele CA3431861.

ClinVar aggregate classification (germline): Uncertain significance. Review status: criteria provided, multiple submitters, no conflicts (2 of 4 stars). 2 submissions from 2 submitters: Uncertain significance (2). Last evaluated 2023-11-20.

Conditions:
Hereditary cancer-predisposing syndrome. Also called: Hereditary Cancer Syndrome; Hereditary neoplastic syndrome; Tumor predisposition; Neoplastic Syndromes, Hereditary. Identifiers: Orphanet 140162, MedGen C0027672, MeSH D009386, MONDO:0015356.

Allele frequency attached by ClinVar (database versions not stated): ExAC 0.00001.
gnomAD v4.1: 1 of 1,610,746 alleles (0.000062%); highest among the groups gnomAD compares: South Asian, 0.0011%; no homozygotes.

Submissions (2):

Ambry Genetics
Classification: Uncertain significance for Hereditary cancer-predisposing syndrome. Last evaluated: 2023-11-20. Review status: criteria provided, single submitter. Criteria: Ambry Variant Classification Scheme 2023. Collection method: clinical testing. Allele origin: germline.
Comment: The p.M371I variant (also known as c.1113G>A), located in coding exon 7 of the CTNNA1 gene, results from a G to A substitution at nucleotide position 1113. The methionine at codon 371 is replaced by isoleucine, an amino acid with highly similar properties. This amino acid position is highly conserved in available vertebrate species. In addition, this alteration is predicted to be deleterious by in silico analysis. The evidence for this gene-disease relationship is limited; therefore, the clinical significance of this alteration is unclear.

Labcorp Genetics (formerly Invitae), Labcorp
Classification: Uncertain significance. Last evaluated: 2022-05-30. Review status: criteria provided, single submitter. Criteria: Invitae Variant Classification Sherloc (09022015). Collection method: clinical testing. Allele origin: germline.
Comment: This sequence change replaces methionine, which is neutral and non-polar, with isoleucine, which is neutral and non-polar, at codon 371 of the CTNNA1 protein (p.Met371Ile). This variant is present in population databases (rs767384077, gnomAD 0.003%). This variant has not been reported in the literature in individuals affected with CTNNA1-related conditions. Algorithms developed to predict the effect of missense changes on protein structure and function are either unavailable or do not agree on the potential impact of this missense change (SIFT: "Deleterious"; PolyPhen-2: "Benign"; Align-GVGD: "Class C0"). In summary, the available evidence is currently insufficient to determine the role of this variant in disease. Therefore, it has been classified as a Variant of Uncertain Significance.